The following is an entry in ClinVar:

NM_025219.3(DNAJC5):c.158C>T (p.Ala53Val)

Gene: DNAJC5 (DnaJ heat shock protein family (Hsp40) member C5; plus strand). Cytogenetic location: 20q13.33.
Variant type: single nucleotide variant.
Coding change: c.158C>T on transcript NM_025219.3 (MANE Select); coding-DNA position 158, C replaced by T.
Protein change: p.Ala53Val; replaces alanine 53 with valine.
Molecular consequence: missense variant.
Genome position (GRCh38, 1-based): chr20:63,929,362, C>T. VCF-style: chr20-63929362-C-T. GRCh37 (hg19) VCF-style: chr20-62560715-C-T.
Other names: short protein forms A53V.
Identifiers: ClinVar variation 3368167 (VCV003368167.1).
Genomic context (GRCh38, chr20:63,929,362, plus strand): 5'-TGGTTTGCAGGAAGCTTGCCTTGAAATATCACCCCGACAAGAACCCCGACAACCCGGAGG[C>T]CGCGGACAAGTTTAAGGAGATCAACAACGCGCACGCCATCCTCACGGACGCCACAAAAAG-3'
Protein context (NP_079495.1, residues 43-63): HPDKNPDNPE[Ala53Val]ADKFKEINNA

ClinVar aggregate classification (germline): Uncertain significance (1 of 4 stars; one submission).

Submission:

GeneDx
Classification: Uncertain significance. Last evaluated: 2024-01-19. Review status: criteria provided, single submitter. Criteria: GeneDx Variant Classification Process June 2021. Collection method: clinical testing. Allele origin: germline. Affected: yes.
Comment: Not observed at significant frequency in large population cohorts (gnomAD); In silico analysis supports that this missense variant has a deleterious effect on protein structure/function; Has not been previously published as pathogenic or benign to our knowledge